The following is an entry in ClinVar:

ClinVar aggregate classification (germline): Likely pathogenic (1 of 4 stars; one submission).

Conditions:
CLDN14-related disorder. Also called: CLDN14-related condition.

Submission:

PreventionGenetics, part of Exact Sciences
Classification: Likely pathogenic for CLDN14-related condition. Last evaluated: 2026-08-07. Review status: criteria provided, single submitter. Criteria: ACMG Guidelines, 2015. Collection method: clinical testing. Allele origin: germline.
Comment: The CLDN14 c.417delC variant is predicted to result in a frameshift and premature protein termination (p.Thr140Profs*17). To our knowledge, this variant has not been reported in the literature or in a large population database (gnomAD), indicating this variant is rare. Frameshift variants in CLDN14 are expected to be pathogenic. This variant is interpreted as likely pathogenic.

NM_001146079.2(CLDN14):c.417del (p.Thr140fs)

Genes: CLDN14 (claudin 14; minus strand), CLDN14-AS1 (CLDN14 antisense RNA 1; plus strand). Cytogenetic location: 21q22.13.
Variant type: Deletion.
Coding change: c.417del on transcript NM_001146079.2 (MANE Select); coding-DNA position 417, one base deleted (C; older notation c.417delC).
Protein change: p.Thr140fs; shifts the reading frame from threonine 140.
Molecular consequence: frameshift variant.
Genome position (GRCh38, 1-based): chr21:36,461,279, G deleted on the plus strand (C on the coding strand, the reverse complement: CLDN14 is on the minus strand); the first of 2 consecutive G bases (chr21:36,461,279-36,461,280); deleting either gives the same sequence. VCF-style (leftmost placement, unchanged base first): chr21-36461278-TG-T. GRCh37 (hg19) VCF-style: chr21-37833576-TG-T.
Other names: c.417del, p.Thr140fs (NM_001146077.2, NM_001146078.3, NM_012130.4 and 1 more transcripts); short protein forms T140fs.
Identifiers: ClinVar variation 4982536 (VCV004982536.1).